The following is an entry in ClinVar:

ClinVar aggregate classification (germline): Uncertain significance (1 of 4 stars; one submission).

Conditions:
Combined immunodeficiency due to OX40 deficiency. Also called: OX40 DEFICIENCY; Immunodeficiency 16. Identifiers: Orphanet 431149, MedGen C3810053, MONDO:0014268, OMIM 615593.

gnomAD v4.1: 4 of 1,609,290 alleles (0.00025%); highest among the groups gnomAD compares: Non-Finnish European, 0.00034%; no homozygotes.

Submission:

Labcorp Genetics (formerly Invitae), Labcorp
Classification: Uncertain significance for Combined immunodeficiency due to OX40 deficiency. Last evaluated: 2025-06-23. Review status: criteria provided, single submitter. Criteria: Invitae Variant Classification Sherloc (09022015). Collection method: clinical testing. Allele origin: germline.
Comment: This sequence change replaces glycine, which is neutral and non-polar, with arginine, which is basic and polar, at codon 92 of the TNFRSF4 protein (p.Gly92Arg). This variant is not present in population databases (gnomAD no frequency). This variant has not been reported in the literature in individuals affected with TNFRSF4-related conditions. Invitae Evidence Modeling of protein sequence and biophysical properties (such as structural, functional, and spatial information, amino acid conservation, physicochemical variation, residue mobility, and thermodynamic stability) indicates that this missense variant is expected to disrupt TNFRSF4 protein function with a positive predictive value of 80%. In summary, the available evidence is currently insufficient to determine the role of this variant in disease. Therefore, it has been classified as a Variant of Uncertain Significance.

NM_003327.4(TNFRSF4):c.274G>A (p.Gly92Arg)

Gene: TNFRSF4 (TNF receptor superfamily member 4; minus strand). Cytogenetic location: 1p36.33.
Variant type: single nucleotide variant.
Coding change: c.274G>A on transcript NM_003327.4 (MANE Select); coding-DNA position 274, G replaced by A.
Protein change: p.Gly92Arg; replaces glycine 92 with arginine.
Molecular consequence: missense variant.
Genome position (GRCh38, 1-based): chr1:1,213,088, C>T on the plus strand (G>A on the coding strand, the complement: TNFRSF4 is on the minus strand). VCF-style: chr1-1213088-C-T. GRCh37 (hg19) VCF-style: chr1-1148468-C-T.
Other names: c.274G>A, p.Gly92Arg (NM_001410709.1); short protein forms G92R.
Identifiers: ClinVar variation 4796992 (VCV004796992.1).
Genomic context (GRCh38, chr1:1,213,088, plus strand): 5'-CCGCCCGGCAGCGGCAGACTGTGTCCTGTGTGGCCGTGCACAGCTGCTTCCGCTCACTCC[C>T]ACTTCCTGAGCAGGGGCCGGATGGGGGGGTGGTCAGGTGGGGGCTGTGGACAGGGTCCTC-3'
Protein context (NP_003318.1, residues 82-102): KPCTWCNLRS[Gly92Arg]SERKQLCTAT